The following is an entry in ClinVar:

NM_018474.6(KIZ):c.1405G>C (p.Val469Leu)

Genes: KIZ (kizuna centrosomal protein; plus strand), KIZ-AS1 (KIZ antisense RNA 1; minus strand). Cytogenetic location: 20p11.23.
Variant type: single nucleotide variant.
Coding change: c.1405G>C on transcript NM_018474.6 (MANE Select); coding-DNA position 1405, G replaced by C.
Protein change: p.Val469Leu; replaces valine 469 with leucine.
Molecular consequence: missense variant. On other transcripts: intron variant (2).
Genome position (GRCh38, 1-based): chr20:21,205,543, G>C. VCF-style: chr20-21205543-G-C. GRCh37 (hg19) VCF-style: chr20-21186181-G-C.
Other names: c.1096G>C, p.Val366Leu (NM_001163022.3); c.1006G>C, p.Val336Leu (NM_001163023.3); c.1258G>C, p.Val420Leu (NM_001276389.2); c.1063G>C, p.Val355Leu (NM_001352436.2); c.1392+13G>C (NM_001352434.2); c.1083+13G>C (NM_001352435.2); short protein forms V336L, V469L, V366L, V420L, V355L.
Identifiers: ClinVar variation 2108214 (VCV002108214.4), dbSNP rs2035786651, ClinGen allele CA408489230.

ClinVar aggregate classification (germline): Uncertain significance (1 of 4 stars; one submission).

gnomAD v4.1: 1 of 1,570,118 alleles (0.000064%); highest among the groups gnomAD compares: Non-Finnish European, 0.000087%; no homozygotes.

Submission:

Labcorp Genetics (formerly Invitae), Labcorp
Classification: Uncertain significance. Last evaluated: 2022-03-10. Review status: criteria provided, single submitter. Criteria: Invitae Variant Classification Sherloc (09022015). Collection method: clinical testing. Allele origin: germline.
Comment: In summary, the available evidence is currently insufficient to determine the role of this variant in disease. Therefore, it has been classified as a Variant of Uncertain Significance. Experimental studies and prediction algorithms are not available or were not evaluated, and the functional significance of this variant is currently unknown. This variant has not been reported in the literature in individuals affected with KIZ-related conditions. This variant is not present in population databases (gnomAD no frequency). This sequence change replaces valine, which is neutral and non-polar, with leucine, which is neutral and non-polar, at codon 469 of the KIZ protein (p.Val469Leu).